The following is an entry in ClinVar:

NM_003280.3(TNNC1):c.456G>A (p.Glu152=)

Gene: TNNC1 (troponin C1, slow skeletal and cardiac type; minus strand). Cytogenetic location: 3p21.1.
Variant type: single nucleotide variant.
Coding change: c.456G>A on transcript NM_003280.3 (MANE Select); coding-DNA position 456, G replaced by A.
Protein change: p.Glu152=; no amino-acid change (glutamic acid 152 retained).
Molecular consequence: synonymous variant.
Genome position (GRCh38, 1-based): chr3:52,451,305, C>T on the plus strand (G>A on the coding strand, the complement: TNNC1 is on the minus strand). VCF-style: chr3-52451305-C-T. GRCh37 (hg19) VCF-style: chr3-52485321-C-T.
Other names: c.456G>A (LRG_378t1).
Identifiers: ClinVar variation 239537 (VCV000239537.11), dbSNP rs568828576, ClinGen allele CA2438474.

ClinVar aggregate classification (germline): Likely benign. Review status: criteria provided, multiple submitters, no conflicts (2 of 4 stars). 5 submissions from 5 submitters: Likely benign (5). Last evaluated 2026-07-09.

Conditions:
TNNC1-related disorder. Also called: TNNC1-related condition.
Cardiovascular phenotype. Identifiers: MedGen CN230736.
Dilated cardiomyopathy 1Z (CMD1Z). Identifiers: Orphanet 154, MedGen C2678475, MONDO:0012745, OMIM 611879.
Hypertrophic cardiomyopathy 13. Also called: TNNC1-Related Familial Hypertrophic Cardiomyopathy. Identifiers: MedGen C2750472, MONDO:0013195, OMIM 613243.
Cardiomyopathy (CMYO). Also called: Cardiomyopathies. Identifiers: Orphanet 167848, MedGen C0878544, MONDO:0004994, HP:0001638. Inheritance: Various modes of inheritance.

Allele frequency attached by ClinVar (database versions not stated): gnomAD exomes below 0.00001 and 0.00001; gnomAD 0.00001; ExAC 0.00002; TOPMed 0.00002; 1000 Genomes Project 0.00020; 1000 Genomes Project 30x 0.00031.
gnomAD v4.1: 19 of 1,614,066 alleles (0.0012%); highest among the groups gnomAD compares: African/African-American, 0.017%; no homozygotes.

Submissions (5):

PreventionGenetics, part of Exact Sciences
Classification: Likely benign for TNNC1-related condition. Last evaluated: 2026-07-09. Review status: criteria provided, single submitter. Criteria: ACMG Guidelines, 2015. Collection method: clinical testing. Allele origin: germline.
Comment: This variant is classified as likely benign based on ACMG/AMP sequence variant interpretation guidelines (Richards et al. 2015 PMID: 25741868, with internal and published modifications).

Labcorp Genetics (formerly Invitae), Labcorp
Classification: Likely benign for Hypertrophic cardiomyopathy 13; Dilated cardiomyopathy 1Z. Last evaluated: 2026-02-02. Review status: criteria provided, single submitter. Criteria: Invitae Variant Classification Sherloc (09022015). Collection method: clinical testing. Allele origin: germline.

Ambry Genetics
Classification: Likely benign for Cardiovascular phenotype. Last evaluated: 2025-06-07. Review status: criteria provided, single submitter. Criteria: Ambry Variant Classification Scheme 2023. Collection method: clinical testing. Allele origin: germline.

CHEO Genetics Diagnostic Laboratory, Children's Hospital of Eastern Ontario
Classification: Likely benign for Cardiomyopathy. Last evaluated: 2018-03-20. Review status: criteria provided, single submitter. Criteria: ACMG Guidelines, 2015. Collection method: clinical testing. Allele origin: germline.

GeneDx
Classification: Likely benign. Last evaluated: 2017-12-04. Review status: criteria provided, single submitter. Criteria: GeneDx Variant Classification (06012015). Collection method: clinical testing. Allele origin: germline. Affected: yes.
Comment: This variant is considered likely benign or benign based on one or more of the following criteria: it is a conservative change, it occurs at a poorly conserved position in the protein, it is predicted to be benign by multiple in silico algorithms, and/or has population frequency not consistent with disease.